The following is an entry in ClinVar:

NC_000008.11:g.5741877_5750560del

Variant type: Deletion.
Genome position: GRCh38: chr8:5,741,877-5,750,560. GRCh37 (hg19): chr8:5,599,399-5,608,082.
Identifiers: ClinVar variation 157089 (VCV000157089.3), ClinGen allele CA212212.

ClinVar aggregate classification (germline): not provided (0 of 4 stars; one submission).

Conditions:
Preeclampsia. Identifiers: Orphanet 275555, MedGen C0032914, MONDO:0005081, HP:0100602.

Submission:

Institute of Molecular and Cell Biology, University of Tartu
No classification provided. Condition: Preeclampsia. Review status: no classification provided. Collection method: case-control. Allele origin: unknown. Affected: yes. Study: Kasak2014.
Comment: The study aimed to determine the contribution of copy number variants in the genetic etiology of normal and complicated pregnancies. The samples represented (i) maternal blood DNA drawn from healthy pregnant women during 1st or 2nd trimester and (ii) maternal and paternal blood DNA drawn at term pregnancy cases representing normal and complicated gestations (severe preeclampsia, PE; gestational diabetes, GD; small-for-gestational age newborn, SGA; large-for-gestational age newborn, LGA). We performed CNV calling based on genome-wide genotyping dataset (Illumina HumanOmniExpress-24-v1 BeadChip) by applying three algorithms, QuantiSNP, GADA (Genome Alteration Detection Algorithm) and CNstream in parallel. The acquired CNV calls were merged with HD-CNV (Hotspot Detector for Copy Number Variants) program and only the CNVs predicted by at least two programs, were considered in subsequent analysis.

Literature cited by the submitters: PubMed 25666259.